The following is an entry in ClinVar:

ClinVar aggregate classification (germline): Benign. Review status: criteria provided, single submitter (1 of 4 stars). 2 submissions from 2 submitters: Benign (1). 1 of the submissions does not count toward it. Last evaluated 2025-06-16.

Conditions:
SLC22A12-related disorder. Also called: SLC22A12-related condition.

Allele frequency attached by ClinVar (database versions not stated): gnomAD exomes 0.00008; gnomAD 0.00011; 1000 Genomes Project 30x 0.00016; 1000 Genomes Project 0.00020; TOPMed 0.00021; ExAC 0.00030.
gnomAD v4.1: 133 of 1,612,842 alleles (0.0082%); highest among the groups gnomAD compares: East Asian, 0.15%; no homozygotes.

Submissions (2):

Labcorp Genetics (formerly Invitae), Labcorp
Classification: Benign. Last evaluated: 2025-06-16. Review status: criteria provided, single submitter. Criteria: Invitae Variant Classification Sherloc (09022015). Collection method: clinical testing. Allele origin: germline.

PreventionGenetics, part of Exact Sciences
Classification: Likely benign for SLC22A12-related condition. Last evaluated: 2024-03-20. Review status: no assertion criteria provided. Collection method: clinical testing. Allele origin: germline. Not counted in ClinVar's aggregate classification.
Comment: This variant is classified as likely benign based on ACMG/AMP sequence variant interpretation guidelines (Richards et al. 2015 PMID: 25741868, with internal and published modifications).

NM_144585.4(SLC22A12):c.1224G>A (p.Thr408=)

Gene: SLC22A12 (solute carrier family 22 member 12; plus strand). Cytogenetic location: 11q13.1.
Variant type: single nucleotide variant.
Coding change: c.1224G>A on transcript NM_144585.4 (MANE Select); coding-DNA position 1224, G replaced by A.
Protein change: p.Thr408=; no amino-acid change (threonine 408 retained).
Molecular consequence: synonymous variant.
Genome position (GRCh38, 1-based): chr11:64,599,829, G>A. VCF-style: chr11-64599829-G-A. GRCh37 (hg19) VCF-style: chr11-64367301-G-A.
Other names: c.1122G>A, p.Thr374= (NM_001276326.2); c.900G>A, p.Thr300= (NM_001276327.2); c.561G>A, p.Thr187= (NM_153378.3); c.1224G>A (NM_144585.3).
Identifiers: ClinVar variation 2059357 (VCV002059357.5), dbSNP rs201081275, ClinGen allele CA6077348.